The following is an entry in ClinVar:

ClinVar aggregate classification (germline): Conflicting classifications of pathogenicity. Review status: criteria provided, conflicting classifications (1 of 4 stars). 4 submissions from 4 submitters: Uncertain significance (3); Benign (1). Last evaluated 2026-01-21.

Conditions:
Hereditary cancer-predisposing syndrome. Also called: Neoplastic Syndromes, Hereditary; Tumor predisposition; Hereditary Cancer Syndrome; Hereditary neoplastic syndrome. Identifiers: Orphanet 140162, MedGen C0027672, MeSH D009386, MONDO:0015356.
BAP1-related tumor predisposition syndrome (TPDS1). Also called: Tumor susceptibility linked to germline BAP1 mutations; BAP1 tumor predisposition syndrome; COMMON Syndrome; TUMOR PREDISPOSITION SYNDROME 1. Identifiers: Orphanet 289539, MedGen C3280492, MONDO:0013692, OMIM 614327.

Allele frequency attached by ClinVar (database versions not stated): gnomAD 0.00001.

Submissions (4):

Labcorp Genetics (formerly Invitae), Labcorp
Classification: Uncertain significance for BAP1-related tumor predisposition syndrome. Last evaluated: 2026-01-21. Review status: criteria provided, single submitter. Criteria: Invitae Variant Classification Sherloc (09022015). Collection method: clinical testing. Allele origin: germline.
Comment: This sequence change creates a premature translational stop signal (p.Gln729*) in the BAP1 gene. While this is not anticipated to result in nonsense mediated decay, it is expected to disrupt the last 1 amino acid(s) of the BAP1 protein. This variant is present in population databases (no rsID available, gnomAD 0.01%). This variant has not been reported in the literature in individuals affected with BAP1-related conditions. ClinVar contains an entry for this variant (Variation ID: 820842). Experimental studies and prediction algorithms are not available or were not evaluated, and the functional significance of this variant is currently unknown. In summary, the available evidence is currently insufficient to determine the role of this variant in disease. Therefore, it has been classified as a Variant of Uncertain Significance.

Ambry Genetics
Classification: Benign for Hereditary cancer-predisposing syndrome. Last evaluated: 2025-06-03. Review status: criteria provided, single submitter. Criteria: Ambry Variant Classification Scheme 2023. Collection method: clinical testing. Allele origin: germline.

Baylor Genetics
Classification: Uncertain significance for BAP1-related tumor predisposition syndrome. Last evaluated: 2021-02-09. Review status: criteria provided, single submitter. Criteria: ACMG Guidelines, 2015. Collection method: clinical testing. Allele origin: unknown. Affected: yes. Study: CSER-TexasKidsCanSeq.
Comment: This variant was determined to be of uncertain significance according to ACMG Guidelines, 2015 [PMID:25741868].

Color Diagnostics, LLC DBA Color Health
Classification: Uncertain significance for Hereditary cancer-predisposing syndrome. Last evaluated: 2019-11-04. Review status: criteria provided, single submitter. Criteria: ACMG Guidelines, 2015. Collection method: clinical testing. Allele origin: germline.
Comment: This variant changes 1 nucleotide in exon 17 of the BAP1 gene, creating a premature translation stop signal in the last coding exon. This mutant transcript is predicted to escape nonsense-mediated decay. Splice site prediction tools suggest that this variant may not impact RNA splicing. To our knowledge, functional studies have not been performed for this variant. This variant has not been reported in individuals affected with hereditary cancer in the literature. This variant has been identified in 1/31398 chromosomes in the general population by the Genome Aggregation Database (gnomAD). The available evidence is insufficient to determine the role of this variant in disease conclusively. Therefore, this variant is classified as a Variant of Uncertain Significance.

Literature cited by the submitters: PubMed 38969833 (cited by Ambry Genetics).

NM_004656.4(BAP1):c.2185C>T (p.Gln729Ter)

Gene: BAP1 (BRCA1 associated deubiquitinase 1; minus strand). Cytogenetic location: 3p21.1.
Variant type: single nucleotide variant.
Coding change: c.2185C>T on transcript NM_004656.4 (MANE Select); coding-DNA position 2185, C replaced by T.
Protein change: p.Gln729Ter; replaces glutamine 729 with a stop codon.
Molecular consequence: nonsense.
Genome position (GRCh38, 1-based): chr3:52,402,293, G>A on the plus strand (C>T on the coding strand, the complement: BAP1 is on the minus strand). VCF-style: chr3-52402293-G-A. GRCh37 (hg19) VCF-style: chr3-52436309-G-A.
Other names: short protein forms Q729*.
Identifiers: ClinVar variation 820842 (VCV000820842.14), dbSNP rs1412940366, ClinGen allele CA353093860.